The following is an entry in ClinVar:

ClinVar aggregate classification (germline): Conflicting classifications of pathogenicity. Review status: criteria provided, conflicting classifications (1 of 4 stars). 10 submissions from 10 submitters: Uncertain significance (9); Likely benign (1). Last evaluated 2026-02-23.

Conditions:
GJB2-related disorder. Also called: GJB2-related condition; GJB2-related disorders. Identifiers: MedGen CN382183, MONDO:1060236.
Nonsyndromic genetic hearing loss. Also called: Nonsyndromic hearing loss and deafness; Nonsyndromic genetic deafness; Non-syndromic genetic deafness. Identifiers: Orphanet 87884, MedGen C5680182, MONDO:0019497.
Autosomal recessive nonsyndromic hearing loss 1A (DFNB1A). Also called: GJB6-Related DFNB 1 Nonsyndromic Hearing Loss and Deafness; Deafness, autosomal recessive 1A; Connexin 26 deafness; Deafness nonsyndromic, Connexin 26 linked; GJB2-Related Autosomal Recessive Nonsyndromic Hearing Loss; Nonsyndromic Hearing Loss and Deafness, DFNB1. Identifiers: Orphanet 90636, MedGen C2673759, MONDO:0009076, OMIM 220290.

Allele frequency attached by ClinVar (database versions not stated): gnomAD exomes 0.00005 and 0.00003; ExAC 0.00007; gnomAD 0.00062 and 0.00066; TOPMed 0.00128; 1000 Genomes Project 0.00160; 1000 Genomes Project 30x 0.00172.
gnomAD v4.1: 177 of 1,614,060 alleles (0.011%); highest among the groups gnomAD compares: Admixed American, 0.22%; 2 homozygotes.

Submissions 1 to 7 of 10:

PreventionGenetics, part of Exact Sciences
Classification: Uncertain significance for GJB2-related condition. Last evaluated: 2026-02-23. Review status: criteria provided, single submitter. Criteria: ACMG Guidelines, 2015. Collection method: clinical testing. Allele origin: germline.
Comment: The GJB2 c.503A>G variant is predicted to result in the amino acid substitution p.Lys168Arg. This variant has been reported in a heterozygous state without another variant in multiple individuals (mostly of Brazilian descent) with non-syndromic deafness (see for example, Samanich et al. 2007. PubMed ID: 17357124; Putcha et al. 2007. PubMed ID: 17666888; Alexandrino et al. 2009. PubMed ID: 19283857), but was also noted in the unaffected mothers of two children with congenital deafness (da Silva-Costa et al. 2011. PubMed ID: 21728791) or the individuals were also hemizygous for a GJB6 variant (Batissoco et al. 2009. PubMed ID: 19125024). This variant is reported in 0.028% of alleles in individuals of Latino descent in gnomAD. However, in gnomAD v4 (available only on GRCh38), this variant is reported in 0.22% of alleles in the admixed subpopulation, including two homozygotes. This population data is not consistent with this variant being a primary cause of disease. This variant is interpreted as likely benign by the Deafness Variation Database (DVD, Table S3, Azaiez et al. 2018. PubMed ID: 30245029). Although we suspect that this variant may be benign, at this time, the clinical significance of this variant is uncertain due to the absence of conclusive functional and genetic evidence.

GeneDx
Classification: Uncertain significance. Last evaluated: 2025-12-18. Review status: criteria provided, single submitter. Criteria: GeneDx Variant Classification Process June 2021. Collection method: clinical testing. Allele origin: germline. Affected: yes.
Comment: Observed in several unrelated patients with apparently non-syndromic hearing loss in the published literature, often as a single heterozygous variant (PMID: 17357124, 19125024, 20497192, 21728791, 23684175, 29773520); In silico analysis suggests that this missense variant does not alter protein structure/function; This variant is associated with the following publications: (PMID: 19283857, 20022641, 30245029, 25262649, 17357124, 25388846, 17567889, 19125024, 20497192, 23684175, 21728791, 32387678, 19230829, 33096615, 24156272, 20381175, 24158611, 17666888, 19887791, 19081147, 29773520, 36048236)

Labcorp Genetics (formerly Invitae), Labcorp
Classification: Uncertain significance. Last evaluated: 2024-12-29. Review status: criteria provided, single submitter. Criteria: Invitae Variant Classification Sherloc (09022015). Collection method: clinical testing. Allele origin: germline.
Comment: This sequence change replaces lysine, which is basic and polar, with arginine, which is basic and polar, at codon 168 of the GJB2 protein (p.Lys168Arg). This variant is present in population databases (rs200104362, gnomAD 0.04%). This missense change has been observed in individual(s) with clinical features of GJB2-related conditions (PMID: 17357124, 21728791, 23684175). ClinVar contains an entry for this variant (Variation ID: 44756). Invitae Evidence Modeling of protein sequence and biophysical properties (such as structural, functional, and spatial information, amino acid conservation, physicochemical variation, residue mobility, and thermodynamic stability) indicates that this missense variant is expected to disrupt GJB2 protein function with a positive predictive value of 80%. In summary, the available evidence is currently insufficient to determine the role of this variant in disease. Therefore, it has been classified as a Variant of Uncertain Significance.

Blueprint Genetics
Classification: Uncertain significance. Last evaluated: 2023-08-11. Review status: criteria provided, single submitter. Criteria: ACMG Guidelines, 2015. Collection method: clinical testing. Allele origin: germline.

Women's Health and Genetics/Laboratory Corporation of America, LabCorp
Classification: Likely benign. Last evaluated: 2022-12-29. Review status: criteria provided, single submitter. Criteria: LabCorp Variant Classification Summary - May 2015. Collection method: clinical testing. Allele origin: germline.
Comment: Variant summary: GJB2 c.503A>G (p.Lys168Arg) results in a conservative amino acid change in the encoded protein sequence. Three of five in-silico tools predict a benign effect of the variant on protein function. The variant allele was found at a frequency of 0.00067 in 152268 control chromosomes, predominantly at a frequency of 0.0057 within the Latino subpopulation in the gnomAD v3.1.1 database, including 1 homozygote. The observed variant frequency within Latino control individuals in the gnomAD database is approximately 17-fold of the estimated maximal expected allele frequency for a pathogenic variant in GJB2 causing Non-Syndromic Hearing Loss phenotype (0.00034), strongly suggesting that the variant is a benign polymorphism found primarily in populations of Latino origin. c.503A>G has been reported in the literature in the heterozygous state without any other GJB2 pathogenic variants in individuals affected with Non-Syndromic Hearing Loss (e.g. Christiani_2007, Putcha_2007, Samanich_2007, Batissoco_2009, Tsukada_2010, da Silva-Costa_2011, Dalamon_2013, Felix_2019, Figueroa-Ildefonso_2019, Buonfiglio_2020) but it was also reported in unaffected/control individuals (e.g. Samanich_2007, da Silva-Costa_2011). These reports do not provide unequivocal conclusions about association of the variant with Non-Syndromic Hearing Loss. To our knowledge, no experimental evidence demonstrating an impact on protein function has been reported. Six ClinVar submitters (evaluation after 2014) cite the variant as uncertain significance. However, c.503A>G was expert-curated as Likely benign in the Deafness Variation Database (Azaiez_2018). Based on the evidence outlined above, the variant was classified as likely benign.

INGEBI, INGEBI / CONICET
Classification: Uncertain significance for Nonsyndromic hearing loss and deafness. Last evaluated: 2020-08-31. Review status: criteria provided, single submitter. Criteria: ClinGen HL ACMG Specifications v1. Collection method: clinical testing. Allele origin: germline. Affected: yes. Observed: 5 variant alleles, 5 heterozygotes. Clinical features observed: Prelingual severe to profound bilateral hearing loss.
Comment: Based on ACMG/AMP guidelines and Hearing Loss Expert Panel specific criteria: the filtering allele frequency of c.503A>G, p.(Lys168Arg) variant in GJB2 gene is 0,015% (10/35418 Latino alleles with 95%CI) from Genome Aggregation Database (calculated by using inverse allele frequency at an online resource) which meets the criteria to apply to PM2_Supporting rule. Computational evidence predicted a pathogenic effect of the mutation to the protein (REVELscore: 0.720) applying to PP3 criteria. The p.(Lys168Arg) change has been identified only in heterozygous state in several patients (PMID: 17567889, 19125024, 20381175, 20497192, 21728791, 24156272, 19887791). Therefore, the clinical significance of this variant is currently uncertain (PM2_Supporting, PP3).

Laboratory for Molecular Medicine, Mass General Brigham Personalized Medicine
Classification: Uncertain significance. Last evaluated: 2019-11-18. Review status: criteria provided, single submitter. Criteria: LMM Criteria. Collection method: clinical testing. Allele origin: germline. Observed: 5 variant alleles.
Comment: Variant classified as Uncertain Significance - Favor Benign. The p.Lys168Arg variant in GJB2 has been previously reported in >20 individuals with hearing loss, primarily of Brazilian or Latino ancestry (Batisscoco 2009, Christiani 2007, Dalamon 2013, Felix 2019, Fischer 2009, Gravina 2010, Manzoli 2013, Martins 2013, Putcha 2007, Samanich 2007, Shan 2010, Tsukada 2010). However, the variant has not been reported in the homozygous or compound heterozygous state. It has been identified in 0.03% (10/35418) of Latino chromosomes by gnomAD. Computational prediction tools and conservation analyses suggest that this variant may not impact the protein, though this information is not predictive enough to rule out pathogenicity. In summary, while the clinical significance of this variant is uncertain, the computational data and the fact that none of the probands had a second variant identified on the other copy of the gene suggests that the variant is more likely benign. ACMG/AMP criteria applied: PM2_Supporting, BP4.

NM_004004.6(GJB2):c.503A>G (p.Lys168Arg)

Gene: GJB2 (gap junction protein beta 2; minus strand). Cytogenetic location: 13q12.11.
Variant type: single nucleotide variant.
Coding change: c.503A>G on transcript NM_004004.6 (MANE Select); coding-DNA position 503, A replaced by G.
Protein change: p.Lys168Arg; replaces lysine 168 with arginine.
Molecular consequence: missense variant.
Genome position (GRCh38, 1-based): chr13:20,189,079, T>C on the plus strand (A>G on the coding strand, the complement: GJB2 is on the minus strand). VCF-style: chr13-20189079-T-C. GRCh37 (hg19) VCF-style: chr13-20763218-T-C.
Other names: short protein forms K168R.
Identifiers: ClinVar variation 44756 (VCV000044756.34), dbSNP rs200104362, ClinGen allele CA134979.